The following is an entry in ClinVar:

NM_013275.6(ANKRD11):c.6111C>G (p.Val2037=)

Gene: ANKRD11 (ankyrin repeat domain 11; minus strand). Cytogenetic location: 16q24.3.
Variant type: single nucleotide variant.
Coding change: c.6111C>G on transcript NM_013275.6 (MANE Select); coding-DNA position 6111, C replaced by G.
Protein change: p.Val2037=; no amino-acid change (valine 2037 retained).
Molecular consequence: synonymous variant.
Genome position (GRCh38, 1-based): chr16:89,280,431, G>C on the plus strand (C>G on the coding strand, the complement: ANKRD11 is on the minus strand). VCF-style: chr16-89280431-G-C. GRCh37 (hg19) VCF-style: chr16-89346839-G-C.
Other names: c.6111C>G (NM_013275.4); c.6111C>G, p.Val2037= (NM_001256182.2, NM_001256183.2).
Identifiers: ClinVar variation 707103 (VCV000707103.18), dbSNP rs376468392, ClinGen allele CA8241585.

ClinVar aggregate classification (germline): Benign/Likely benign. Review status: criteria provided, multiple submitters, no conflicts (2 of 4 stars). 6 submissions from 6 submitters: Benign (3); Likely benign (2). 1 of the submissions does not count toward it. Last evaluated 2026-01-12.

Conditions:
ANKRD11-related disorder. Also called: ANKRD11-related condition.
Inborn genetic diseases. Identifiers: MedGen C0950123, MeSH D030342.
KBG syndrome (KBGS). Also called: ANKRD11-Related KBG Syndrome. Identifiers: Orphanet 2332, MedGen C0220687, MONDO:0007846, OMIM 148050.

Allele frequency attached by ClinVar (database versions not stated): gnomAD exomes 0.00016; ExAC 0.00018; gnomAD 0.00045; 1000 Genomes Project 0.00060; 1000 Genomes Project 30x 0.00062; ESP Exome Variant Server 0.00076; TOPMed 0.00078.
gnomAD v4.1: 193 of 1,579,972 alleles (0.012%); highest among the groups gnomAD compares: African/African-American, 0.21%; no homozygotes.

Submissions (6):

Labcorp Genetics (formerly Invitae), Labcorp
Classification: Benign for KBG syndrome. Last evaluated: 2026-01-12. Review status: criteria provided, single submitter. Criteria: Invitae Variant Classification Sherloc (09022015). Collection method: clinical testing. Allele origin: germline.

Blueprint Genetics
Classification: Likely benign. Last evaluated: 2024-08-12. Review status: criteria provided, single submitter. Criteria: ACMG Guidelines, 2015. Collection method: clinical testing. Allele origin: germline.

Genome-Nilou Lab
Classification: Benign for KBG syndrome. Last evaluated: 2021-12-05. Review status: criteria provided, single submitter. Criteria: ACMG Guidelines, 2015. Collection method: clinical testing. Allele origin: germline. Affected: no.

GeneDx
Classification: Benign. Last evaluated: 2020-03-13. Review status: criteria provided, single submitter. Criteria: GeneDx Variant Classification Process June 2021. Collection method: clinical testing. Allele origin: germline. Affected: yes.

Ambry Genetics
Classification: Likely benign for Inborn genetic diseases. Last evaluated: 2017-10-17. Review status: criteria provided, single submitter. Criteria: Ambry Variant Classification Scheme 2023. Collection method: clinical testing. Allele origin: germline.

PreventionGenetics, part of Exact Sciences
Classification: Likely benign for ANKRD11-related condition. Last evaluated: 2021-11-09. Review status: no assertion criteria provided. Collection method: clinical testing. Allele origin: germline. Not counted in ClinVar's aggregate classification.
Comment: This variant is classified as likely benign based on ACMG/AMP sequence variant interpretation guidelines (Richards et al. 2015 PMID: 25741868, with internal and published modifications).